The following is an entry in ClinVar:

ClinVar aggregate classification (germline): Uncertain significance (0 of 4 stars; one submission).

Conditions:
UCP3-related disorder. Also called: UCP3-related condition.

Submission:

PreventionGenetics, part of Exact Sciences
Classification: Uncertain significance for UCP3-related condition. Last evaluated: 2024-07-05. Review status: no assertion criteria provided. Collection method: clinical testing. Allele origin: germline.
Comment: The UCP3 c.133G>T variant is predicted to result in the amino acid substitution p.Gly45Trp. To our knowledge, this variant has not been reported in the literature. This variant is reported in 0.0031% of alleles in individuals of European (Non-Finnish) descent in gnomAD. At this time, the clinical significance of this variant is uncertain due to the absence of conclusive functional and genetic evidence.

NM_003356.4(UCP3):c.133G>T (p.Gly45Trp)

Gene: UCP3 (uncoupling protein 3; minus strand). Cytogenetic location: 11q13.4.
Variant type: single nucleotide variant.
Coding change: c.133G>T on transcript NM_003356.4 (MANE Select); coding-DNA position 133, G replaced by T.
Protein change: p.Gly45Trp; replaces glycine 45 with tryptophan.
Molecular consequence: missense variant.
Genome position (GRCh38, 1-based): chr11:74,006,373, C>A on the plus strand (G>T on the coding strand, the complement: UCP3 is on the minus strand). VCF-style: chr11-74006373-C-A. GRCh37 (hg19) VCF-style: chr11-73717418-C-A.
Other names: c.133G>T, p.Gly45Trp (NM_022803.3); short protein forms G45W.
Identifiers: ClinVar variation 3345370 (VCV003345370.1).